The following is an entry in ClinVar:

ClinVar aggregate classification (germline): Pathogenic (1 of 4 stars; one submission).

Submission:

Labcorp Genetics (formerly Invitae), Labcorp
Classification: Pathogenic. Last evaluated: 2024-01-22. Review status: criteria provided, single submitter. Criteria: Invitae Variant Classification Sherloc (09022015). Collection method: clinical testing. Allele origin: unknown.
Comment: This variant is a gross deletion of the genomic region encompassing exon(s) 2 of the SLC45A2 gene. This variant would be expected to be in-frame, preserving the integrity of the reading frame. A similar copy number variant has been observed in individual(s) with oculocutaneous albinism (PMID: 29345414). This variant disrupts a region of the SLC45A2 protein in which other variant(s) (p.Asp160His) have been determined to be pathogenic (PMID: 21287499, 27706749, 31077556, 31199599). This suggests that this is a clinically significant region of the protein, and that variants that disrupt it are likely to be disease-causing. For these reasons, this variant has been classified as Pathogenic.

Literature cited by the submitters: PubMed 29345414; PubMed 21287499; PubMed 27706749; PubMed 31077556; PubMed 31199599.

NC_000005.9:g.(?_33982321)_(33982537_?)del

Gene: SLC45A2 (solute carrier family 45 member 2; minus strand). Cytogenetic location: 5p13.2.
Variant type: Deletion.
Identifiers: ClinVar variation 3246524 (VCV003246524.1).